The following is an entry in ClinVar:

NM_004006.3(DMD):c.5740-14G>A

Gene: DMD (dystrophin; minus strand). Cytogenetic location: Xp21.1.
Variant type: single nucleotide variant.
Coding change: c.5740-14G>A on transcript NM_004006.3 (MANE Select); 14 bases into the intron before coding-DNA position 5740, G replaced by A.
Molecular consequence: intron variant.
Genome position (GRCh38, 1-based): chrX:32,342,296, C>T on the plus strand (G>A on the coding strand, the complement: DMD is on the minus strand). VCF-style: chrX-32342296-C-T. GRCh37 (hg19) VCF-style: chrX-32360413-C-T.
Other names: c.5716-14G>A (NM_000109.4); c.1717-14G>A (NM_004011.4); c.1708-14G>A (NM_004012.4); c.5728-14G>A (NM_004009.3); c.5371-14G>A (NM_004010.3); c.5740-14G>A (NM_004006.2).
Identifiers: ClinVar variation 2720162 (VCV002720162.5), dbSNP rs369400926, ClinGen allele CA10378597.

ClinVar aggregate classification (germline): Likely benign. Review status: criteria provided, single submitter (1 of 4 stars). 2 submissions from 2 submitters: Likely benign (1). 1 of the submissions does not count toward it. Last evaluated 2026-01-19.

Conditions:
DMD-related disorder. Also called: DMD-related condition.
Duchenne muscular dystrophy (DMD). Also called: MUSCULAR DYSTROPHY, PSEUDOHYPERTROPHIC PROGRESSIVE, DUCHENNE TYPE; Duchenne Muscular Dystrophy (DMD). Identifiers: Orphanet 98896, MedGen C0013264, MONDO:0010679, OMIM 310200.

Allele frequency attached by ClinVar (database versions not stated): gnomAD exomes below 0.00001; ExAC 0.00002; ESP Exome Variant Server 0.00009.
gnomAD v4.1: 3 of 1,210,280 alleles (0.00025%); highest among the groups gnomAD compares: East Asian, 0.0059%; no homozygotes.

Submissions (2):

Labcorp Genetics (formerly Invitae), Labcorp
Classification: Likely benign for Duchenne muscular dystrophy. Last evaluated: 2026-01-19. Review status: criteria provided, single submitter. Criteria: Invitae Variant Classification Sherloc (09022015). Collection method: clinical testing. Allele origin: germline.

PreventionGenetics, part of Exact Sciences
Classification: Likely benign for DMD-related condition. Last evaluated: 2019-08-22. Review status: no assertion criteria provided. Collection method: clinical testing. Allele origin: germline. Not counted in ClinVar's aggregate classification.
Comment: This variant is classified as likely benign based on ACMG/AMP sequence variant interpretation guidelines (Richards et al. 2015 PMID: 25741868, with internal and published modifications).